The following is an entry in ClinVar:

ClinVar aggregate classification (germline): Uncertain significance. Review status: criteria provided, multiple submitters, no conflicts (2 of 4 stars). 2 submissions from 2 submitters: Uncertain significance (2). Last evaluated 2024-12-19.

Conditions:
Hereditary cancer-predisposing syndrome. Also called: Hereditary Cancer Syndrome; Tumor predisposition; Neoplastic Syndromes, Hereditary; Hereditary neoplastic syndrome. Identifiers: Orphanet 140162, MedGen C0027672, MeSH D009386, MONDO:0015356.

gnomAD v4.1: 2 of 1,614,036 alleles (0.00012%); highest among the groups gnomAD compares: Admixed American, 0.0033%; no homozygotes.

Submissions (2):

Labcorp Genetics (formerly Invitae), Labcorp
Classification: Uncertain significance. Last evaluated: 2024-12-19. Review status: criteria provided, single submitter. Criteria: Invitae Variant Classification Sherloc (09022015). Collection method: clinical testing. Allele origin: germline.
Comment: This sequence change replaces lysine, which is basic and polar, with glutamine, which is neutral and polar, at codon 245 of the HOXB13 protein (p.Lys245Gln). This variant is present in population databases (no rsID available, gnomAD 0.003%). This missense change has been observed in individual(s) with prostate cancer (PMID: 31214711). ClinVar contains an entry for this variant (Variation ID: 2422058). Invitae Evidence Modeling of protein sequence and biophysical properties (such as structural, functional, and spatial information, amino acid conservation, physicochemical variation, residue mobility, and thermodynamic stability) has been performed for this missense variant. However, the output from this modeling did not meet the statistical confidence thresholds required to predict the impact of this variant on HOXB13 protein function. In summary, the available evidence is currently insufficient to determine the role of this variant in disease. Therefore, it has been classified as a Variant of Uncertain Significance.

Ambry Genetics
Classification: Uncertain significance for Hereditary cancer-predisposing syndrome. Last evaluated: 2024-11-08. Review status: criteria provided, single submitter. Criteria: Ambry Variant Classification Scheme 2023. Collection method: clinical testing. Allele origin: germline.
Comment: The p.K245Q variant (also known as c.733A>C), located in coding exon 2 of the HOXB13 gene, results from an A to C substitution at nucleotide position 733. The lysine at codon 245 is replaced by glutamine, an amino acid with similar properties. This amino acid position is highly conserved in available vertebrate species. In addition, this alteration is predicted to be deleterious by in silico analysis. Based on the available evidence, the clinical significance of this variant remains unclear.

Literature cited by the submitters: PubMed 31214711 (cited by Labcorp Genetics (formerly Invitae), Labcorp).

NM_006361.6(HOXB13):c.733A>C (p.Lys245Gln)

Gene: HOXB13 (homeobox B13; minus strand). Cytogenetic location: 17q21.32.
Variant type: single nucleotide variant.
Coding change: c.733A>C on transcript NM_006361.6 (MANE Select); coding-DNA position 733, A replaced by C.
Protein change: p.Lys245Gln; replaces lysine 245 with glutamine.
Molecular consequence: missense variant.
Genome position (GRCh38, 1-based): chr17:48,726,912, T>G on the plus strand (A>C on the coding strand, the complement: HOXB13 is on the minus strand). VCF-style: chr17-48726912-T-G. GRCh37 (hg19) VCF-style: chr17-46804274-T-G.
Other names: short protein forms K245Q.
Identifiers: ClinVar variation 2422058 (VCV002422058.7), dbSNP rs1272588905, ClinGen allele CA400106210.
Genomic context (GRCh38, chr17:48,726,912, plus strand): 5'-GAAACCAGATGGTAATCTGGCGCTCCGAGAGGCTGGTGGCTGCCGAGATCTTGCGCCTCT[T>G]GTCCTTGGTGATGAACTTGTTAGCCGCATACTCCCGCTCCAGCTCCCGCAACTGCCCCTT-3'
Protein context (NP_006352.2, residues 235-255): YAANKFITKD[Lys245Gln]RRKISAATSL